The following is an entry in ClinVar:

NM_000436.4(OXCT1):c.1456_1457del (p.Leu486fs)

Gene: OXCT1 (3-oxoacid CoA-transferase 1; minus strand). Cytogenetic location: 5p13.1.
Variant type: Microsatellite.
Coding change: c.1456_1457del on transcript NM_000436.4 (MANE Select); coding-DNA positions 1456 to 1457, 2 bases deleted (CT; older notation c.1456_1457delCT).
Protein change: p.Leu486fs; shifts the reading frame from leucine 486.
Molecular consequence: frameshift variant. On other transcripts: non-coding transcript variant (1).
Genome position (GRCh38, 1-based): chr5:41,739,454-41,739,455, AG deleted on the plus strand (CT on the coding strand, the reverse complement: OXCT1 is on the minus strand); deleting any 2 consecutive bases within chr5:41,739,454-41,739,457 gives the same sequence; the c. name uses the placement nearest the transcript's 3' end. VCF-style (leftmost placement, unchanged base first): chr5-41739453-CAG-C. GRCh37 (hg19) VCF-style: chr5-41739555-CAG-C.
Other names: c.1477_1478del, p.Leu493fs (NM_001364299.2, NM_001364300.2); c.1450_1451del, p.Leu484fs (NM_001364301.2); c.1366_1367del, p.Leu456fs (NM_001364302.2); c.898_899del, p.Leu300fs (NM_001364303.2); short protein forms L300fs, L456fs, L484fs, L486fs, L493fs.
Identifiers: ClinVar variation 3062096 (VCV003062096.1), dbSNP rs2478254671, ClinGen allele CA2673708993.

ClinVar aggregate classification (germline): Likely pathogenic (1 of 4 stars; one submission).

Conditions:
Succinyl-CoA acetoacetate transferase deficiency (SCOTD). Also called: 3-Oxoacid CoA Transferase Deficiency; KETOACIDOSIS DUE TO SCOT DEFICIENCY; SCOT DEFICIENCY; SUCCINYL-CoA:3-KETOACID CoA-TRANSFERASE DEFICIENCY; Succinyl CoA:3-oxoacid CoA transferase deficiency. Identifiers: Orphanet 832, MedGen C0342792, MONDO:0009492, OMIM 245050.

Submission:

Illumina Laboratory Services, Illumina
Classification: Likely pathogenic for Succinyl-CoA acetoacetate transferase deficiency. Last evaluated: 2020-04-24. Review status: criteria provided, single submitter. Criteria: ICSLVariantClassificationCriteria RUGD 01 April 2020. Collection method: clinical testing. Allele origin: unknown.
Comment: The OXCT1 c.1456_1457delCT p.(Leu486AspfsTer2) variant causes a shift in the protein reading frame that is predicted to result in premature termination of the protein. Loss of normal protein function through either protein truncation or nonsense-mediated mRNA decay is expected. To our knowledge, this variant has not been reported in the peer-reviewed literature. This variant is reported in the Genome Aggregation Database in one allele at a frequency of 0.0000009 in the European (non-Finnish) population (version 4.0.0). Based on the available evidence the c.1456_1457delCT p.(Leu486AspfsTer2) variant is classified as likely pathogenic for succinyl CoA:3-oxoacid CoA transferase deficiency.